The following is an entry in ClinVar:

NM_002693.3(POLG):c.2853C>T (p.Tyr951=)

Gene: POLG (DNA polymerase gamma, catalytic subunit; minus strand). Cytogenetic location: 15q26.1.
Variant type: single nucleotide variant.
Coding change: c.2853C>T on transcript NM_002693.3 (MANE Select); coding-DNA position 2853, C replaced by T.
Protein change: p.Tyr951=; no amino-acid change (tyrosine 951 retained).
Molecular consequence: synonymous variant.
Genome position (GRCh38, 1-based): chr15:89,320,894, G>A on the plus strand (C>T on the coding strand, the complement: POLG is on the minus strand). VCF-style: chr15-89320894-G-A. GRCh37 (hg19) VCF-style: chr15-89864125-G-A.
Other names: p.Y951Y:TAC>TAT; p.Tyr951=; c.2853C>T, p.Tyr951= (NM_001126131.2).
Identifiers: ClinVar variation 138753 (VCV000138753.69), dbSNP rs41546712, ClinGen allele CA232559.

ClinVar aggregate classification (germline): Conflicting classifications of pathogenicity. Review status: criteria provided, conflicting classifications (1 of 4 stars). 14 submissions from 14 submitters: Uncertain significance (1); Benign (2); Likely benign (8). 3 of the submissions do not count toward it. Last evaluated 2026-06-01.

Conditions:
Inborn genetic diseases. Identifiers: MedGen C0950123, MeSH D030342.
POLG-related disorder. Also called: POLG-Related Spectrum Disorders; POLG-related condition; POLG-Related Disorders. Identifiers: MedGen C4763519.
Hereditary spastic paraplegia. Also called: Familial spastic paraparesis. Identifiers: Orphanet 685, MedGen C0037773, MONDO:0019064. Disease mechanism: loss of function.
Progressive sclerosing poliodystrophy (MTDPS4A). Also called: Alpers Syndrome; ALPERS DIFFUSE DEGENERATION OF CEREBRAL GRAY MATTER WITH HEPATIC CIRRHOSIS; Alpers-Huttenlocher Syndrome; Mitochondrial DNA depletion syndrome 4A (Alpers type); Mitochondrial DNA Depletion Syndrome 4A; Alpers-Huttenlocher Syndrome (AHS). Identifiers: Orphanet 726, MedGen C0205710, MONDO:0008758, OMIM 203700.

Allele frequency attached by ClinVar (database versions not stated): gnomAD 0.00078 and 0.00085; TOPMed 0.00088; 1000 Genomes Project 30x 0.00094; 1000 Genomes Project 0.00100; gnomAD exomes 0.00103 and 0.00150; ExAC 0.00106; ESP Exome Variant Server 0.00115.
gnomAD v4.1: 2,294 of 1,613,940 alleles (0.14%); highest among the groups gnomAD compares: South Asian, 0.2%; 5 homozygotes.

Submissions (14):

CeGaT Center for Human Genetics Tuebingen
Classification: Likely benign. Last evaluated: 2026-06-01. Review status: criteria provided, single submitter. Criteria: CeGaT Center For Human Genetics Tuebingen Variant Classification Criteria Version 2. Collection method: clinical testing. Allele origin: germline. Affected: yes. Observed: 21 variant alleles.
Comment: POLG: BP4, BP7

Labcorp Genetics (formerly Invitae), Labcorp
Classification: Likely benign for Progressive sclerosing poliodystrophy. Last evaluated: 2026-02-02. Review status: criteria provided, single submitter. Criteria: Invitae Variant Classification Sherloc (09022015). Collection method: clinical testing. Allele origin: germline.

Athena Diagnostics
Classification: Likely benign. Last evaluated: 2025-03-24. Review status: criteria provided, single submitter. Criteria: Athena Diagnostics Criteria. Collection method: clinical testing. Allele origin: unknown.
Comment: Computational tools yielded predictions that this variant is unlikely to have an effect on normal RNA splicing. This nucleotide position exhibits low evolutionary conservation.

Mayo Clinic Laboratories, Mayo Clinic
Classification: Likely benign. Last evaluated: 2025-01-13. Review status: criteria provided, single submitter. Criteria: ACMG Guidelines, 2015. Collection method: clinical testing. Allele origin: germline. Observed: 15 variant alleles.
Comment: BP4, BP7

Blueprint Genetics
Classification: Likely benign. Last evaluated: 2024-11-08. Review status: criteria provided, single submitter. Criteria: ACMG Guidelines, 2015. Collection method: clinical testing. Allele origin: germline.

Genome Diagnostics Laboratory, The Hospital for Sick Children
Classification: Likely benign for Hereditary spastic paraplegia. Last evaluated: 2021-03-05. Review status: criteria provided, single submitter. Criteria: ACMG Guidelines, 2015. Collection method: clinical testing. Allele origin: germline. Affected: yes.

Wong Mito Lab, Molecular and Human Genetics, Baylor College of Medicine
Classification: Benign for Progressive sclerosing poliodystrophy. Last evaluated: 2018-10-01. Review status: criteria provided, single submitter. Criteria: ACMG Guidelines, 2015. Collection method: clinical testing. Allele origin: germline.
Comment: The NM_002693.2:c.2853C>T (NP_002684.1:p.Tyr951=) [GRCH38: NC_000015.10:g.89320894G>A] variant in POLG gene is interpretated to be a Benign based on ACMG guidelines (PMID: 25741868). This variant meets the following evidence codes reported in the ACMG-guideline. BS1:The minor allele frequency of this allele is high for Mitochondrial DNA depletion syndrome 4A (Alpers type). BS2:Observation of the variant in controls is inconsistent with penetrance of Mitochondrial DNA depletion syndrome 4A (Alpers type). BP4:Computational evidence/predictors indicate no impact on the POLG structure, function, or protein-protein interaction. Based on the evidence criteria codes applied, the variant is suggested to be Benign.

Eurofins Ntd Llc (ga)
Classification: Likely benign. Last evaluated: 2017-06-29. Review status: criteria provided, single submitter. Criteria: EGL Classification Definitions 2015. Collection method: clinical testing. Allele origin: germline. Observed: 10 variant alleles, 10 heterozygotes.

Illumina Laboratory Services, Illumina
Classification: Uncertain significance for POLG-Related Spectrum Disorders. Last evaluated: 2017-04-27. Review status: criteria provided, single submitter. Criteria: ICSL Variant Classification Criteria 13 December 2019. Collection method: clinical testing. Allele origin: germline.
Comment: This variant was observed as part of a predisposition screen in an ostensibly healthy population. A literature search was performed for the gene, cDNA change, and amino acid change (where applicable). Publications were found based on this search. However, the evidence from the literature, in combination with allele frequency data from public databases where available, was not sufficient to rule this variant in or out of causing disease. Therefore, this variant is classified as a variant of unknown significance.

Ambry Genetics
Classification: Likely benign for Inborn genetic diseases. Last evaluated: 2016-09-16. Review status: criteria provided, single submitter. Criteria: Ambry Variant Classification Scheme 2023. Collection method: clinical testing. Allele origin: germline.

GeneDx
Classification: Benign. Last evaluated: 2014-01-24. Review status: criteria provided, single submitter. Criteria: GeneDx Variant Classification (06012015). Collection method: clinical testing. Allele origin: germline. Affected: yes.
Comment: This variant is considered likely benign or benign based on one or more of the following criteria: it is a conservative change, it occurs at a poorly conserved position in the protein, it is predicted to be benign by multiple in silico algorithms, and/or has population frequency not consistent with disease.

Clinical Genetics DNA and cytogenetics Diagnostics Lab, Erasmus MC, Erasmus Medical Center
Classification: Likely benign. Review status: no assertion criteria provided. Collection method: clinical testing. Allele origin: germline. Affected: yes. Study: VKGL Data-share Consensus. Not counted in ClinVar's aggregate classification.

Diagnostic Laboratory, Department of Genetics, University Medical Center Groningen
Classification: Likely benign. Review status: no assertion criteria provided. Collection method: clinical testing. Allele origin: germline. Affected: yes. Study: VKGL Data-share Consensus. Not counted in ClinVar's aggregate classification.

Genome Diagnostics Laboratory, University Medical Center Utrecht
Classification: Likely benign. Review status: no assertion criteria provided. Collection method: clinical testing. Allele origin: germline. Affected: yes. Study: VKGL Data-share Consensus. Not counted in ClinVar's aggregate classification.

Literature cited by the submitters: PubMed 22933815 (cited by Illumina Laboratory Services, Illumina).